The following is an entry in ClinVar:

NM_000836.4(GRIN2D):c.3037G>A (p.Asp1013Asn)

Gene: GRIN2D (glutamate ionotropic receptor NMDA type subunit 2D; plus strand). Cytogenetic location: 19q13.33.
Variant type: single nucleotide variant.
Coding change: c.3037G>A on transcript NM_000836.4 (MANE Select); coding-DNA position 3037, G replaced by A.
Protein change: p.Asp1013Asn; replaces aspartic acid 1013 with asparagine.
Molecular consequence: missense variant.
Genome position (GRCh38, 1-based): chr19:48,442,963, G>A. VCF-style: chr19-48442963-G-A. GRCh37 (hg19) VCF-style: chr19-48946220-G-A.
Other names: short protein forms D1013N.
Identifiers: ClinVar variation 2037238 (VCV002037238.4), dbSNP rs2513692290, ClinGen allele CA406674737.
Genomic context (GRCh38, chr19:48,442,963, plus strand): 5'-TCCCCGCCGGCCGCTCAGCCCCCGCAGAAGCCGCCGCCCTCCTATTTCGCCATCGTACGC[G>A]ACAAGGAGCCAGCCGAGCCCCCCGCCGGCGCCTTCCCCGGCTTCCCGTCGCCGCCCGCGC-3'
Protein context (NP_000827.2, residues 1003-1023): PPPSYFAIVR[Asp1013Asn]KEPAEPPAGA

ClinVar aggregate classification (germline): Uncertain significance (1 of 4 stars; one submission).

gnomAD v4.1: 1 of 1,139,976 alleles (0.000088%); highest among the groups gnomAD compares: Admixed American, 0.0037%; no homozygotes.

Submission:

Labcorp Genetics (formerly Invitae), Labcorp
Classification: Uncertain significance. Last evaluated: 2021-12-08. Review status: criteria provided, single submitter. Criteria: Invitae Variant Classification Sherloc (09022015). Collection method: clinical testing. Allele origin: germline.
Comment: In summary, the available evidence is currently insufficient to determine the role of this variant in disease. Therefore, it has been classified as a Variant of Uncertain Significance. Advanced modeling of protein sequence and biophysical properties (such as structural, functional, and spatial information, amino acid conservation, physicochemical variation, residue mobility, and thermodynamic stability) performed at Invitae indicates that this missense variant is not expected to disrupt GRIN2D protein function. This variant has not been reported in the literature in individuals affected with GRIN2D-related conditions. This variant is not present in population databases (gnomAD no frequency). This sequence change replaces aspartic acid, which is acidic and polar, with asparagine, which is neutral and polar, at codon 1013 of the GRIN2D protein (p.Asp1013Asn).